The following is an entry in ClinVar:

ClinVar aggregate classification (germline): Uncertain significance (1 of 4 stars; one submission).

Submission:

GeneDx
Classification: Uncertain significance. Last evaluated: 2025-05-31. Review status: criteria provided, single submitter. Criteria: GeneDx Variant Classification Process June 2021. Collection method: clinical testing. Allele origin: germline. Affected: yes.
Comment: Not observed at significant frequency in large population cohorts (gnomAD); In silico analysis supports that this missense variant has a deleterious effect on protein structure/function; Has not been previously published as pathogenic or benign to our knowledge

NM_005121.3(MED13):c.5167C>G (p.Arg1723Gly)

Gene: MED13 (mediator complex subunit 13; minus strand). Cytogenetic location: 17q23.2.
Variant type: single nucleotide variant.
Coding change: c.5167C>G on transcript NM_005121.3 (MANE Select); coding-DNA position 5167, C replaced by G.
Protein change: p.Arg1723Gly; replaces arginine 1723 with glycine.
Molecular consequence: missense variant.
Genome position (GRCh38, 1-based): chr17:61,961,677, G>C on the plus strand (C>G on the coding strand, the complement: MED13 is on the minus strand). VCF-style: chr17-61961677-G-C. GRCh37 (hg19) VCF-style: chr17-60039038-G-C.
Other names: short protein forms R1723G.
Identifiers: ClinVar variation 4532573 (VCV004532573.1).